The following is an entry in ClinVar:

NM_001377137.1(GBF1):c.1592G>A (p.Arg531His)

Gene: GBF1 (golgi brefeldin A resistant guanine nucleotide exchange factor 1; plus strand). Cytogenetic location: 10q24.32.
Variant type: single nucleotide variant.
Coding change: c.1592G>A on transcript NM_001377137.1 (MANE Select); coding-DNA position 1592, G replaced by A.
Protein change: p.Arg531His; replaces arginine 531 with histidine.
Molecular consequence: missense variant. On other transcripts: non-coding transcript variant (5), intron variant (2).
Genome position (GRCh38, 1-based): chr10:102,361,818, G>A. VCF-style: chr10-102361818-G-A. GRCh37 (hg19) VCF-style: chr10-104121575-G-A.
Other names: c.1592G>A, p.Arg531His (NM_001199378.2, NM_001391923.1, NM_001391926.1); c.1589G>A, p.Arg530His (NM_001199379.2, NM_001377138.1, NM_001377141.1 and 7 more transcripts); c.1688G>A, p.Arg563His (NM_001391922.1, NM_001411027.1); c.1211G>A, p.Arg404His (NM_001391931.1); c.1664G>A, p.Arg555His (NM_001411003.1); c.1390-657G>A (NM_001377139.1, NM_001377140.1); short protein forms R555H, R404H, R530H, R563H, R531H.
Identifiers: ClinVar variation 4755205 (VCV004755205.1).

ClinVar aggregate classification (germline): Uncertain significance (1 of 4 stars; one submission).

gnomAD v4.1: 20 of 1,613,116 alleles (0.0012%); highest among the groups gnomAD compares: East Asian, 0.0045%; no homozygotes.

Submission:

Labcorp Genetics (formerly Invitae), Labcorp
Classification: Uncertain significance. Last evaluated: 2025-10-29. Review status: criteria provided, single submitter. Criteria: Invitae Variant Classification Sherloc (09022015). Collection method: clinical testing. Allele origin: germline.
Comment: This sequence change replaces arginine, which is basic and polar, with histidine, which is basic and polar, at codon 530 of the GBF1 protein (p.Arg530His). This variant is present in population databases (no rsID available, gnomAD 0.006%). This variant has not been reported in the literature in individuals affected with GBF1-related conditions. An algorithm developed to predict the effect of missense changes on protein structure and function outputs the following: PolyPhen-2: "Benign". The histidine amino acid residue is found in multiple mammalian species, which suggests that this missense change does not adversely affect protein function. In summary, the available evidence is currently insufficient to determine the role of this variant in disease. Therefore, it has been classified as a Variant of Uncertain Significance.